The following is an entry in ClinVar:

ClinVar aggregate classification (germline): Conflicting classifications of pathogenicity. Review status: criteria provided, conflicting classifications (1 of 4 stars). 4 submissions from 4 submitters: Uncertain significance (1); Likely benign (3). Last evaluated 2026-04-01.

Allele frequency attached by ClinVar (database versions not stated): gnomAD exomes 0.00005 and 0.00011; ExAC 0.00010; ESP Exome Variant Server 0.00031; gnomAD 0.00031 and 0.00035; TOPMed 0.00034.
gnomAD v4.1: 113 of 1,612,256 alleles (0.007%); highest among the groups gnomAD compares: African/African-American, 0.11%; no homozygotes.

Submissions (4):

CeGaT Center for Human Genetics Tuebingen
Classification: Likely benign. Last evaluated: 2026-04-01. Review status: criteria provided, single submitter. Criteria: CeGaT Center For Human Genetics Tuebingen Variant Classification Criteria Version 2. Collection method: clinical testing. Allele origin: germline. Affected: yes. Observed: 1 variant allele.
Comment: RIMS1: BS1

Labcorp Genetics (formerly Invitae), Labcorp
Classification: Likely benign. Last evaluated: 2025-10-18. Review status: criteria provided, single submitter. Criteria: Invitae Variant Classification Sherloc (09022015). Collection method: clinical testing. Allele origin: germline.

Ambry Genetics
Classification: Uncertain significance. Last evaluated: 2023-12-27. Review status: criteria provided, single submitter. Criteria: Ambry Variant Classification Scheme 2023. Collection method: clinical testing. Allele origin: germline.

Blueprint Genetics
Classification: Likely benign. Last evaluated: 2023-10-04. Review status: criteria provided, single submitter. Criteria: ACMG Guidelines, 2015. Collection method: clinical testing. Allele origin: germline.

NM_014989.7(RIMS1):c.3725C>T (p.Pro1242Leu)

Gene: RIMS1 (regulating synaptic membrane exocytosis 1; plus strand). Cytogenetic location: 6q13.
Variant type: single nucleotide variant.
Coding change: c.3725C>T on transcript NM_014989.7 (MANE Select); coding-DNA position 3725, C replaced by T.
Protein change: p.Pro1242Leu; replaces proline 1242 with leucine.
Molecular consequence: missense variant. On other transcripts: intron variant (56).
Genome position (GRCh38, 1-based): chr6:72,290,849, C>T. VCF-style: chr6-72290849-C-T. GRCh37 (hg19) VCF-style: chr6-73000552-C-T.
Other names: c.3725C>T (NM_014989.4); c.1799C>T, p.Pro600Leu (NM_001350420.2); c.1781C>T, p.Pro594Leu (NM_001350431.2); c.1868C>T, p.Pro623Leu (NM_001350438.2, NM_001350456.2); c.1871C>T, p.Pro624Leu (NM_001350442.2, NM_001350446.2); c.1730C>T, p.Pro577Leu (NM_001350462.2); c.1632-1085C>T (NM_001350428.2); c.1560-1085C>T (NM_001350459.2, NM_001350424.2); and 32 more; short protein forms P624L, P577L, P1242L, P594L, P600L, P623L.
Identifiers: ClinVar variation 966154 (VCV000966154.13), dbSNP rs201454406, ClinGen allele CA3886329.